The following is an entry in ClinVar:

ClinVar aggregate classification (germline): Uncertain significance (1 of 4 stars; one submission).

Conditions:
Left ventricular noncompaction 8 (LVNC8). Identifiers: Orphanet 154, Orphanet 54260, MedGen C3809288, MONDO:0014152, OMIM 615373.

Allele frequency attached by ClinVar (database versions not stated): ExAC 0.00001; gnomAD 0.00001; TOPMed 0.00001; gnomAD exomes 0.00002.
gnomAD v4.1: 15 of 1,613,948 alleles (0.00093%); highest among the groups gnomAD compares: East Asian, 0.033%; no homozygotes.

Submission:

Labcorp Genetics (formerly Invitae), Labcorp
Classification: Uncertain significance for Left ventricular noncompaction 8. Last evaluated: 2022-08-10. Review status: criteria provided, single submitter. Criteria: Invitae Variant Classification Sherloc (09022015). Collection method: clinical testing. Allele origin: germline.
Comment: This sequence change replaces aspartic acid, which is acidic and polar, with glycine, which is neutral and non-polar, at codon 1097 of the PRDM16 protein (p.Asp1097Gly). This variant is present in population databases (rs777907752, gnomAD 0.03%). In summary, the available evidence is currently insufficient to determine the role of this variant in disease. Therefore, it has been classified as a Variant of Uncertain Significance. Algorithms developed to predict the effect of missense changes on protein structure and function are either unavailable or do not agree on the potential impact of this missense change (SIFT: "Deleterious"; PolyPhen-2: "Benign"; Align-GVGD: "Class C0"). ClinVar contains an entry for this variant (Variation ID: 1502051). This variant has not been reported in the literature in individuals affected with PRDM16-related conditions.

NM_022114.4(PRDM16):c.3290A>G (p.Asp1097Gly)

Gene: PRDM16 (PR/SET domain 16; plus strand). Cytogenetic location: 1p36.32.
Variant type: single nucleotide variant.
Coding change: c.3290A>G on transcript NM_022114.4 (MANE Select); coding-DNA position 3290, A replaced by G.
Protein change: p.Asp1097Gly; replaces aspartic acid 1097 with glycine.
Molecular consequence: missense variant.
Genome position (GRCh38, 1-based): chr1:3,430,877, A>G. VCF-style: chr1-3430877-A-G. GRCh37 (hg19) VCF-style: chr1-3347441-A-G.
Other names: c.3290A>G, p.Asp1097Gly (NM_199454.3); short protein forms D1097G.
Identifiers: ClinVar variation 1502051 (VCV001502051.6), dbSNP rs777907752, ClinGen allele CA544823.
Genomic context (GRCh38, chr1:3,430,877, plus strand): 5'-CATGGGAAGGACAGAGACACCCAAACTCAGTCAATCTCCTCCTGCATCATTTCAGGGCGG[A>G]CATGCAGATCGTGGACGGCAGTGCCCAGTGTCCAGGCCTAGCCAGTGAGAAGCAGGAGGA-3'
Protein context (NP_071397.3, residues 1087-1107): QASTRTEKRA[Asp1097Gly]MQIVDGSAQC